The following is an entry in ClinVar:

NM_001351169.2(NT5C2):c.1211+20C>A

Gene: NT5C2 (5'-nucleotidase, cytosolic II; minus strand). Cytogenetic location: 10q24.32.
Variant type: single nucleotide variant.
Coding change: c.1211+20C>A on transcript NM_001351169.2 (MANE Select); 20 bases into the intron after coding-DNA position 1211, C replaced by A.
Molecular consequence: intron variant.
Genome position (GRCh38, 1-based): chr10:103,091,544, G>T on the plus strand (C>A on the coding strand, the complement: NT5C2 is on the minus strand). VCF-style: chr10-103091544-G-T. GRCh37 (hg19) VCF-style: chr10-104851301-G-T.
Other names: c.1124+20C>A (NM_001351174.1); c.638+20C>A (NM_001351191.1, NM_001351192.1, NM_001351193.1 and 16 more transcripts); c.497+20C>A (NM_001351194.2, NM_001351195.2, NM_001351196.2); c.1211+20C>A (NM_001134373.3, NM_012229.5); c.1235+20C>A (NM_001351170.2, NM_001351171.2, NM_001351172.2 and 1 more transcripts); c.1118+20C>A (NM_001351175.2).
Identifiers: ClinVar variation 380885 (VCV000380885.11), dbSNP rs17094683, ClinGen allele CA5670828.

ClinVar aggregate classification (germline): Benign. Review status: criteria provided, multiple submitters, no conflicts (2 of 4 stars). 3 submissions from 3 submitters: Benign (3). Last evaluated 2026-02-04.

Conditions:
Hereditary spastic paraplegia 45. Also called: Spastic paraplegia 45, autosomal recessive; SPASTIC PARAPLEGIA 45. Identifiers: Orphanet 320396, MedGen C3888209, MONDO:0013165, OMIM 613162.

Allele frequency attached by ClinVar (database versions not stated): ESP Exome Variant Server 0.07705; gnomAD 0.08793 and 0.09435; gnomAD exomes 0.09421; TOPMed 0.09767; 1000 Genomes Project 30x 0.15256; 1000 Genomes Project 0.15655.
gnomAD v4.1: 150,527 of 1,594,886 alleles (9.4%); highest among the groups gnomAD compares: East Asian, 26%; 9,311 homozygotes.

Submissions (3):

Labcorp Genetics (formerly Invitae), Labcorp
Classification: Benign for Hereditary spastic paraplegia 45. Last evaluated: 2026-02-04. Review status: criteria provided, single submitter. Criteria: Invitae Variant Classification Sherloc (09022015). Collection method: clinical testing. Allele origin: germline.

GeneDx
Classification: Benign. Last evaluated: 2016-02-08. Review status: criteria provided, single submitter. Criteria: GeneDx Variant Classification (06012015). Collection method: clinical testing. Allele origin: germline. Affected: yes.
Comment: This variant is considered likely benign or benign based on one or more of the following criteria: it is a conservative change, it occurs at a poorly conserved position in the protein, it is predicted to be benign by multiple in silico algorithms, and/or has population frequency not consistent with disease.

Breakthrough Genomics
Classification: Benign. Review status: criteria provided, single submitter. Criteria: ACMG Guidelines, 2015. Collection method: not provided. Allele origin: germline. Inheritance: Autosomal recessive inheritance. Affected: yes.